The following continues an entry in ClinVar:

NM_000077.5(CDKN2A):c.176T>G (p.Val59Gly)

Gene: CDKN2A. ClinVar aggregate classification (germline): Pathogenic/Likely pathogenic. Pathogenic (6); Likely pathogenic (9).

Submissions 9 to 17 of 17:

Labcorp Genetics (formerly Invitae), Labcorp
Classification: Pathogenic for Familial melanoma. Last evaluated: 2023-12-18. Review status: criteria provided, single submitter. Criteria: Invitae Variant Classification Sherloc (09022015). Collection method: clinical testing. Allele origin: germline.
Comment: This sequence change replaces valine, which is neutral and non-polar, with glycine, which is neutral and non-polar, at codon 59 of the CDKN2A (p16INK4a) protein (p.Val59Gly). This variant is present in population databases (rs104894099, gnomAD 0.003%). This missense change has been observed in individuals with melanoma (PMID: 9425228, 12700603, 15146471, 19571771, 19799798, 20653773, 21893440, 22841127, 26681309). It has also been observed to segregate with disease in related individuals. ClinVar contains an entry for this variant (Variation ID: 9423). An algorithm developed to predict the effect of missense changes on protein structure and function (PolyPhen-2) suggests that this variant is likely to be disruptive. Experimental studies have shown that this missense change affects CDKN2A (p16INK4a) function (PMID: 12700603). For these reasons, this variant has been classified as Pathogenic.

Blueprint Genetics
Classification: Pathogenic for CDKN2A-related disorders. Last evaluated: 2023-03-15. Review status: criteria provided, single submitter. Criteria: ACMG Guidelines, 2015. Collection method: clinical testing. Allele origin: germline. Affected: yes. Observed: 3 variant alleles.

Baylor Genetics
Classification: Likely pathogenic for Melanoma and neural system tumor syndrome. Last evaluated: 2023-01-13. Review status: criteria provided, single submitter. Criteria: ACMG Guidelines, 2015. Collection method: clinical testing. Allele origin: unknown.

MGZ Medical Genetics Center
Classification: Likely pathogenic for Melanoma, cutaneous malignant, susceptibility to, 2. Last evaluated: 2022-07-20. Review status: criteria provided, single submitter. Criteria: ACMG Guidelines, 2015. Collection method: clinical testing. Allele origin: germline. Affected: yes. Observed: 1 variant allele.
Comment: ACMG criteria applied: PS4, PS3_MOD, PP1_MOD

Women's Health and Genetics/Laboratory Corporation of America, LabCorp
Classification: Pathogenic for Familial melanoma. Last evaluated: 2022-07-18. Review status: criteria provided, single submitter. Criteria: LabCorp Variant Classification Summary - May 2015. Collection method: clinical testing. Allele origin: germline.
Comment: Variant summary: CDKN2A c.176T>G (p.Val59Gly) results in a non-conservative amino acid change located in the second ankyrin repeat domain (Soufir_1998) of the encoded protein sequence. Three of five in-silico tools predict a damaging effect of the variant on protein function. The variant allele was found at a frequency of 4.6e-06 in 219096 control chromosomes. c.176T>G has been reported in the literature in multiple individuals from families affected with sporadic/Cutaneous Malignant Melanoma ((example, Piccinin_1997, Soufir_1998, Yakobson_2003, Puig_2005, Casula_2007, de Torre_2010, De Unamuno_2018). These data indicate that the variant is very likely to be associated with disease. At least one publication reports experimental evidence evaluating an impact on protein function in-vitro (example, Yakobson_2003). The most pronounced variant effect results in moderate levels of dysfunction as measured by ability to interact with CDK4 and CDK6 as well as its ability to inhibit the proliferation of human diploid fibroblasts. Five clinical diagnostic laboratories have submitted clinical-significance assessments for this variant to ClinVar after 2014 without evidence for independent evaluation. All laboratories classified the variant as pathogenic/likely pathogenic. Based on the evidence outlined above, the variant was classified as pathogenic.

Fulgent Genetics
Classification: Pathogenic for Melanoma, cutaneous malignant, susceptibility to, 2; Melanoma and neural system tumor syndrome; Melanoma-pancreatic cancer syndrome. Last evaluated: 2021-12-17. Review status: criteria provided, single submitter. Criteria: ACMG Guidelines, 2015. Collection method: clinical testing. Allele origin: unknown.

Quest Diagnostics Nichols Institute San Juan Capistrano
Classification: Pathogenic. Last evaluated: 2021-01-26. Review status: criteria provided, single submitter. Criteria: Quest Diagnostics criteria. Collection method: clinical testing. Allele origin: unknown.
Comment: This variant has been reported as individuals and families with melanoma and pancreatic cancer in the published literature (PMID: 9425228 (1998), 22841127 (2012), 26681309 (2016), 29506128 (2018), 29543703 (2018), and 32113160 (2020)). A peer-reviewed experimental study has reported a damaging effect of the variant on p16 protein function (PMID: 12700603 (2003)). Analysis of this variant using bioinformatics tools for the prediction of the effect of amino acid changes on protein structure and function yielded predictions that this variant is disease causing and damaging. Based on the available information, this variant is classified as pathogenic.

Counsyl
Classification: Likely pathogenic for Melanoma-pancreatic cancer syndrome. Last evaluated: 2016-08-10. Review status: no assertion criteria provided. Collection method: clinical testing. Allele origin: unknown. Not counted in ClinVar's aggregate classification.

OMIM
Classification: risk factor for MELANOMA, CUTANEOUS MALIGNANT, SUSCEPTIBILITY TO, 2. Last evaluated: 2003-04-01. Review status: no assertion criteria provided. Collection method: literature only. Allele origin: germline. Not counted in ClinVar's aggregate classification.

Literature cited by the submitters: PubMed 12700603 (cited by 10 submitters); PubMed 9425228 (cited by 8 submitters); PubMed 10874641 (cited by 4 submitters); PubMed 14646620 (cited by Institute for Genomic Medicine (IGM) Clinical Laboratory, Nationwide Children's Hospital and Color Diagnostics, LLC DBA Color Health); PubMed 19571771 (cited by 6 submitters); PubMed 21893440 (cited by 6 submitters); PubMed 22841127 (cited by 6 submitters); PubMed 25780468 (cited by 5 submitters); PubMed 37611275 (cited by Institute for Genomic Medicine (IGM) Clinical Laboratory, Nationwide Children's Hospital and Color Diagnostics, LLC DBA Color Health); PubMed 29543703 (cited by 5 submitters); PubMed 29506128 (cited by 3 submitters); PubMed 28979722 (cited by Institute for Genomic Medicine (IGM) Clinical Laboratory, Nationwide Children's Hospital and Ambry Genetics); PubMed 15860862 (cited by 3 submitters); PubMed 32113160 (cited by 4 submitters); PubMed 38147532 (cited by Myriad Genetics, Inc.); PubMed 16905682 (cited by Ambry Genetics); PubMed 19331830 (cited by Ambry Genetics); PubMed 19799798 (cited by 4 submitters); PubMed 20539244 (cited by Ambry Genetics and Women's Health and Genetics/Laboratory Corporation of America, LabCorp); PubMed 20653773 (cited by 6 submitters); PubMed 28717660 (cited by Ambry Genetics and Quest Diagnostics Nichols Institute San Juan Capistrano); PubMed 33322357 (cited by Ambry Genetics); PubMed 37422710 (cited by Ambry Genetics); PubMed 9823374 (cited by Ambry Genetics); PubMed 9036865 (cited by Color Diagnostics, LLC DBA Color Health and Women's Health and Genetics/Laboratory Corporation of America, LabCorp); PubMed 19260062 (cited by 3 submitters); PubMed 26681309 (cited by 4 submitters); PubMed 32455486 (cited by Color Diagnostics, LLC DBA Color Health); PubMed 35566480 (cited by Color Diagnostics, LLC DBA Color Health); PubMed 37762649 (cited by Color Diagnostics, LLC DBA Color Health); PubMed 15146471 (cited by Labcorp Genetics (formerly Invitae), Labcorp and Quest Diagnostics Nichols Institute San Juan Capistrano); PubMed 17055252 (cited by Women's Health and Genetics/Laboratory Corporation of America, LabCorp); Yakobson, E., Peretz, H., Shafir, R., Isakson, S., Eisenberg, D., Halle, E., Levy-Lahav, E., Catane, R., Safro, M., Huot, T., Peters, G., Chompret, A., Avril, M.-F., Bressac-de Paillerets, B. Val59gly CDKN2A (p16) germline mutation may be of the mediterranean (Jewish?) origin. (Abstract) Melanoma Res. 11: 569-570, 2001. (cited by OMIM).